The following is an entry in ClinVar:

ClinVar aggregate classification (germline): Conflicting classifications of pathogenicity. Review status: criteria provided, conflicting classifications (1 of 4 stars). 7 submissions from 7 submitters: Uncertain significance (6); Likely benign (1). Last evaluated 2025-09-19.

Conditions:
Hereditary nonpolyposis colorectal neoplasms. Identifiers: MedGen C0009405, MeSH D003123.
Hereditary cancer-predisposing syndrome. Also called: Neoplastic Syndromes, Hereditary; Tumor predisposition; Hereditary Cancer Syndrome; Hereditary neoplastic syndrome. Identifiers: Orphanet 140162, MedGen C0027672, MeSH D009386, MONDO:0015356.
Lynch syndrome. Identifiers: Orphanet 144, MedGen C4552100, MONDO:0005835. Disease mechanism: loss of function.

Allele frequency attached by ClinVar (database versions not stated): gnomAD exomes below 0.00001; gnomAD 0.00001; TOPMed 0.00001.
gnomAD v4.1: 6 of 1,614,022 alleles (0.00037%); highest among the groups gnomAD compares: African/African-American, 0.0027%; no homozygotes.

Submissions (7):

Labcorp Genetics (formerly Invitae), Labcorp
Classification: Likely benign for Hereditary nonpolyposis colorectal neoplasms. Last evaluated: 2025-09-19. Review status: criteria provided, single submitter. Criteria: Invitae Variant Classification Sherloc (09022015). Collection method: clinical testing. Allele origin: germline.

Ambry Genetics
Classification: Uncertain significance for Hereditary cancer-predisposing syndrome. Last evaluated: 2024-09-18. Review status: criteria provided, single submitter. Criteria: Ambry Variant Classification Scheme 2023. Collection method: clinical testing. Allele origin: germline.
Comment: The p.L926F variant (also known as c.2776C>T), located in coding exon 4 of the MSH6 gene, results from a C to T substitution at nucleotide position 2776. The leucine at codon 926 is replaced by phenylalanine, an amino acid with highly similar properties. This amino acid position is not well conserved in available vertebrate species. In addition, this alteration is predicted to be tolerated by in silico analysis. Since supporting evidence is limited at this time, the clinical significance of this alteration remains unclear.

All of Us Research Program, National Institutes of Health
Classification: Uncertain significance for Lynch syndrome. Last evaluated: 2024-07-29. Review status: criteria provided, single submitter. Criteria: ACMG Guidelines, 2015. Collection method: clinical testing. Allele origin: germline. Inheritance: Autosomal dominant inheritance. Observed: 2 variant alleles, 2 heterozygotes.
Comment: This missense variant replaces leucine with phenylalanine at codon 926 of the MSH6 protein. Computational prediction suggests that this variant may not impact protein structure and function (internally defined REVEL score threshold <= 0.5, PMID: 27666373). To our knowledge, functional studies have not been reported for this variant. This variant has not been reported in individuals affected with MSH6-related disorders in the literature. This variant has been identified in 1/250966 chromosomes in the general population by the Genome Aggregation Database (gnomAD). The available evidence is insufficient to determine the role of this variant in disease conclusively. Therefore, this variant is classified as a Variant of Uncertain Significance.

This study involves interpretation of variants in research participants for the purpose of population health screening. Participant phenotype was not available at the time of variant classification. Additional details can be found in publication PMID: 35346344, PMCID: PMC8962531

Color Diagnostics, LLC DBA Color Health
Classification: Uncertain significance for Hereditary cancer-predisposing syndrome. Last evaluated: 2024-07-17. Review status: criteria provided, single submitter. Criteria: ACMG Guidelines, 2015. Collection method: clinical testing. Allele origin: germline.
Comment: This missense variant replaces leucine with phenylalanine at codon 926 of the MSH6 protein. Computational prediction suggests that this variant may not impact protein structure and function (internally defined REVEL score threshold <= 0.5, PMID: 27666373). To our knowledge, functional studies have not been reported for this variant. This variant has not been reported in individuals affected with MSH6-related disorders in the literature. This variant has been identified in 1/250966 chromosomes in the general population by the Genome Aggregation Database (gnomAD). The available evidence is insufficient to determine the role of this variant in disease conclusively. Therefore, this variant is classified as a Variant of Uncertain Significance.

Women's Health and Genetics/Laboratory Corporation of America, LabCorp
Classification: Uncertain significance. Last evaluated: 2023-10-16. Review status: criteria provided, single submitter. Criteria: LabCorp Variant Classification Summary - May 2015. Collection method: clinical testing. Allele origin: germline.
Comment: Variant summary: MSH6 c.2776C>T (p.Leu926Phe) results in a non-conservative amino acid change located in the DNA mismatch repair protein MutS, core (IPR007696) of the encoded protein sequence. Three of five in-silico tools predict a benign effect of the variant on protein function. The variant allele was found at a frequency of 4e-06 in 250966 control chromosomes. The available data on variant occurrences in the general population are insufficient to allow any conclusion about variant significance. c.2776C>T has been reported in the literature in individuals affected with hereditary Cancer (Bhai_2021). These reports do not provide unequivocal conclusions about association of the variant with Lynch Syndrome. To our knowledge, no experimental evidence demonstrating an impact on protein function has been reported. The following publication have been ascertained in the context of this evaluation (PMID: 34326862). Five submitters have cited clinical-significance assessments for this variant to ClinVar after 2014 and classified as likely benign (n=1) and VUS (n=4). Based on the evidence outlined above, the variant was classified as uncertain significance.

GeneDx
Classification: Uncertain significance. Last evaluated: 2018-11-19. Review status: criteria provided, single submitter. Criteria: GeneDx Variant Classification (06012015). Collection method: clinical testing. Allele origin: germline. Affected: yes.
Comment: This variant is denoted MSH6 c.2776C>T at the cDNA level, p.Leu926Phe (L926F) at the protein level, and results in the change of a Leucine to a Phenylalanine (CTT>TTT). This variant has not, to our knowledge, been published in the literature as a pathogenic or benign germline variant. MSH6 Leu926Phe was not observed at a significant allele frequency in large population cohorts (Lek 2016). This variant is located in the Lever domain (Warren 2007, Kansikas 2011). In silico analysis, which includes protein predictors and evolutionary conservation, supports that this variant does not alter protein structure/function. Based on currently available evidence, it is unclear whether MSH6 Leu926Phe is a pathogenic or benign variant. We consider it to be a variant of uncertain significance.

Quest Diagnostics Nichols Institute San Juan Capistrano
Classification: Uncertain significance. Last evaluated: 2018-03-26. Review status: criteria provided, single submitter. Criteria: Quest Diagnostics criteria. Collection method: clinical testing. Allele origin: germline.

Literature cited by the submitters: PubMed 23621914 (cited by Ambry Genetics); PubMed 34326862 (cited by Women's Health and Genetics/Laboratory Corporation of America, LabCorp).

NM_000179.3(MSH6):c.2776C>T (p.Leu926Phe)

Gene: MSH6 (mutS homolog 6; plus strand). Cytogenetic location: 2p16.3.
Variant type: single nucleotide variant.
Coding change: c.2776C>T on transcript NM_000179.3 (MANE Select); coding-DNA position 2776, C replaced by T.
Protein change: p.Leu926Phe; replaces leucine 926 with phenylalanine.
Molecular consequence: missense variant.
Genome position (GRCh38, 1-based): chr2:47,800,759, C>T. VCF-style: chr2-47800759-C-T. GRCh37 (hg19) VCF-style: chr2-48027898-C-T.
Other names: p.L926F:CTT>TTT; c.2386C>T, p.Leu796Phe (NM_001281492.2); c.1870C>T, p.Leu624Phe (NM_001281493.2, NM_001281494.2); short protein forms L926F, L796F, L624F.
Identifiers: ClinVar variation 140848 (VCV000140848.22), dbSNP rs587781318, ClinGen allele CA010886.